The following is an entry in ClinVar:

NM_052867.4(NALCN):c.515+1G>C

Gene: NALCN (sodium leak channel, non-selective; minus strand). Cytogenetic location: 13q33.1.
Variant type: single nucleotide variant.
Coding change: c.515+1G>C on transcript NM_052867.4 (MANE Select); the canonical splice donor site of the intron after coding-DNA position 515, G replaced by C.
Molecular consequence: splice donor variant.
Genome position (GRCh38, 1-based): chr13:101,376,916, C>G on the plus strand (G>C on the coding strand, the complement: NALCN is on the minus strand). VCF-style: chr13-101376916-C-G. GRCh37 (hg19) VCF-style: chr13-102029267-C-G.
Other names: c.515+1G>C (NM_001350751.2, NM_001350749.2, NM_001350750.2 and 1 more transcripts).
Identifiers: ClinVar variation 2098135 (VCV002098135.4), dbSNP rs758800414, ClinGen allele CA388705544.

ClinVar aggregate classification (germline): Likely pathogenic (1 of 4 stars; one submission).

Submission:

Labcorp Genetics (formerly Invitae), Labcorp
Classification: Likely pathogenic. Last evaluated: 2022-02-17. Review status: criteria provided, single submitter. Criteria: Invitae Variant Classification Sherloc (09022015). Collection method: clinical testing. Allele origin: germline.
Comment: This sequence change affects a donor splice site in intron 5 of the NALCN gene. It is expected to disrupt RNA splicing. Variants that disrupt the donor or acceptor splice site typically lead to a loss of protein function (PMID: 16199547), and loss-of-function variants in NALCN are known to be pathogenic (PMID: 23749988, 24075186). This variant is not present in population databases (gnomAD no frequency). This variant has not been reported in the literature in individuals affected with NALCN-related conditions. Algorithms developed to predict the effect of sequence changes on RNA splicing suggest that this variant may disrupt the consensus splice site. In summary, the currently available evidence indicates that the variant is pathogenic, but additional data are needed to prove that conclusively. Therefore, this variant has been classified as Likely Pathogenic.

Literature cited by the submitters: PubMed 16199547; PubMed 23749988; PubMed 24075186.